The following is an entry in ClinVar:

NM_001291303.3(FAT4):c.8344C>T (p.His2782Tyr)

Gene: FAT4 (FAT atypical cadherin 4; plus strand). Cytogenetic location: 4q28.1.
Variant type: single nucleotide variant.
Coding change: c.8344C>T on transcript NM_001291303.3 (MANE Select); coding-DNA position 8344, C replaced by T.
Protein change: p.His2782Tyr; replaces histidine 2782 with tyrosine.
Molecular consequence: missense variant.
Genome position (GRCh38, 1-based): chr4:125,449,354, C>T. VCF-style: chr4-125449354-C-T. GRCh37 (hg19) VCF-style: chr4-126370509-C-T.
Other names: c.8344C>T, p.His2782Tyr (NM_001291285.3); c.8338C>T, p.His2780Tyr (NM_024582.6); short protein forms H2780Y, H2782Y.
Identifiers: ClinVar variation 1467862 (VCV001467862.8), dbSNP rs776841261, ClinGen allele CA358145840.
Genomic context (GRCh38, chr4:125,449,354, plus strand): 5'-ATGATTAACATTTTAGATGAAAATGATAATGCCCCTAGGTTTTCTCAGATATTTAGTGCC[C>T]ATGTTCCTGAAAATTCCCCCTTAGGATACACAGTTACCCGTGTCACAACTTCTGATGAAG-3'
Protein context (NP_001278232.1, residues 2772-2792): APRFSQIFSA[His2782Tyr]VPENSPLGYT

ClinVar aggregate classification (germline): Uncertain significance (1 of 4 stars; one submission).

gnomAD v4.1: 2 of 1,613,772 alleles (0.00012%); highest among the groups gnomAD compares: African/African-American, 0.0013%; no homozygotes.

Submission:

Labcorp Genetics (formerly Invitae), Labcorp
Classification: Uncertain significance. Last evaluated: 2022-10-18. Review status: criteria provided, single submitter. Criteria: Invitae Variant Classification Sherloc (09022015). Collection method: clinical testing. Allele origin: germline.
Comment: This sequence change replaces histidine, which is basic and polar, with tyrosine, which is neutral and polar, at codon 2780 of the FAT4 protein (p.His2780Tyr). This variant is not present in population databases (gnomAD no frequency). This variant has not been reported in the literature in individuals affected with FAT4-related conditions. ClinVar contains an entry for this variant (Variation ID: 1467862). Advanced modeling of protein sequence and biophysical properties (such as structural, functional, and spatial information, amino acid conservation, physicochemical variation, residue mobility, and thermodynamic stability) performed at Invitae indicates that this missense variant is not expected to disrupt FAT4 protein function. In summary, the available evidence is currently insufficient to determine the role of this variant in disease. Therefore, it has been classified as a Variant of Uncertain Significance.